The following is an entry in ClinVar:

NM_001077350.3(NPRL3):c.393G>C (p.Arg131Ser)

Genes: HBA-LCR (alpha-globin locus control region; plus strand), NPRL3 (NPR3 like, GATOR1 complex subunit; minus strand). Cytogenetic location: 16p13.3.
Variant type: single nucleotide variant.
Coding change: c.393G>C on transcript NM_001077350.3 (MANE Select); coding-DNA position 393, G replaced by C.
Protein change: p.Arg131Ser; replaces arginine 131 with serine.
Molecular consequence: missense variant. On other transcripts: intron variant (3).
Genome position (GRCh38, 1-based): chr16:117,301, C>G on the plus strand (G>C on the coding strand, the complement: NPRL3 is on the minus strand). VCF-style: chr16-117301-C-G. GRCh37 (hg19) VCF-style: chr16-167300-C-G.
Other names: c.159G>C, p.Arg53Ser (NM_001243247.2); c.318+1825G>C (NM_001243248.2, NM_001243249.2); c.-144-4526G>C (NM_001039476.3); short protein forms R131S, R53S.
Identifiers: ClinVar variation 3767707 (VCV003767707.1).

ClinVar aggregate classification (germline): Uncertain significance (1 of 4 stars; one submission).

Submission:

GeneDx
Classification: Uncertain significance. Last evaluated: 2024-08-30. Review status: criteria provided, single submitter. Criteria: GeneDx Variant Classification Process June 2021. Collection method: clinical testing. Allele origin: germline. Affected: yes.
Comment: Not observed at significant frequency in large population cohorts (gnomAD); Exonic -1 splice site variant in a gene for which loss of function is a known mechanism of disease, and both splice predictors and evolutionary conservation support a deleterious effect, although in the absence of functional evidence the actual effect of this sequence change is unknown.; In silico analysis indicates that this missense variant does not alter protein structure/function; Has not been previously published as pathogenic or benign to our knowledge